The following is an entry in ClinVar:

NM_020911.2(PLXNA4):c.3644G>A (p.Arg1215His)

Gene: PLXNA4 (plexin A4; minus strand). Cytogenetic location: 7q32.3.
Variant type: single nucleotide variant.
Coding change: c.3644G>A on transcript NM_020911.2 (MANE Select); coding-DNA position 3644, G replaced by A.
Protein change: p.Arg1215His; replaces arginine 1215 with histidine.
Molecular consequence: missense variant.
Genome position (GRCh38, 1-based): chr7:132,179,917, C>T on the plus strand (G>A on the coding strand, the complement: PLXNA4 is on the minus strand). VCF-style: chr7-132179917-C-T. GRCh37 (hg19) VCF-style: chr7-131864676-C-T.
Other names: c.3644G>A, p.Arg1215His (NM_001393897.1); short protein forms R1215H.
Identifiers: ClinVar variation 3046628 (VCV003046628.2), dbSNP rs370836606, ClinGen allele CA4489421.

ClinVar aggregate classification (germline): Uncertain significance (0 of 4 stars; one submission).

Conditions:
PLXNA4-related disorder. Also called: PLXNA4-related condition.

Allele frequency attached by ClinVar (database versions not stated): gnomAD 0.00005; TOPMed 0.00007; ESP Exome Variant Server 0.00008; gnomAD exomes 0.00010; ExAC 0.00014.
gnomAD v4.1: 148 of 1,605,650 alleles (0.0092%); highest among the groups gnomAD compares: Non-Finnish European, 0.0096%; no homozygotes.

Submission:

PreventionGenetics, part of Exact Sciences
Classification: Uncertain significance for PLXNA4-related condition. Last evaluated: 2024-05-29. Review status: no assertion criteria provided. Collection method: clinical testing. Allele origin: germline.
Comment: The PLXNA4 c.3644G>A variant is predicted to result in the amino acid substitution p.Arg1215His. To our knowledge, this variant has not been reported in the literature. This variant is reported in 0.030% of alleles in individuals of Ashkenazi Jewish descent in gnomAD. At this time, the clinical significance of this variant is uncertain due to the absence of conclusive functional and genetic evidence.